The following is an entry in ClinVar:

NM_001082486.2(ACD):c.227T>A (p.Leu76Gln)

Gene: ACD (ACD shelterin complex subunit and telomerase recruitment factor; minus strand). Cytogenetic location: 16q22.1.
Variant type: single nucleotide variant.
Coding change: c.227T>A on transcript NM_001082486.2 (MANE Select); coding-DNA position 227, T replaced by A.
Protein change: p.Leu76Gln; replaces leucine 76 with glutamine.
Molecular consequence: missense variant.
Genome position (GRCh38, 1-based): chr16:67,659,918, A>T on the plus strand (T>A on the coding strand, the complement: ACD is on the minus strand). VCF-style: chr16-67659918-A-T. GRCh37 (hg19) VCF-style: chr16-67693821-A-T.
Other names: c.227T>A, p.Leu76Gln (NM_001410884.1); c.218T>A, p.Leu73Gln (NM_022914.3); short protein forms L73Q, L76Q.
Identifiers: ClinVar variation 3232673 (VCV003232673.1), dbSNP rs2543610041, ClinGen allele CA396356465.

ClinVar aggregate classification (germline): Uncertain significance (1 of 4 stars; one submission).

Conditions:
Inborn genetic diseases. Identifiers: MedGen C0950123, MeSH D030342.

Submission:

Ambry Genetics
Classification: Uncertain significance for Inborn genetic diseases. Last evaluated: 2023-12-29. Review status: criteria provided, single submitter. Criteria: Ambry Variant Classification Scheme 2023. Collection method: clinical testing. Allele origin: germline.
Comment: The p.L162Q variant (also known as c.485T>A), located in coding exon 2 of the ACD gene, results from a T to A substitution at nucleotide position 485. The leucine at codon 162 is replaced by glutamine, an amino acid with dissimilar properties. This amino acid position is conserved. In addition, this alteration is predicted to be tolerated by in silico analysis. Since supporting evidence is limited at this time, the clinical significance of this alteration remains unclear.